The following is an entry in ClinVar:

NM_001206927.2(DNAH8):c.8177C>T (p.Thr2726Ile)

Gene: DNAH8 (dynein axonemal heavy chain 8; plus strand). Cytogenetic location: 6p21.2.
Variant type: single nucleotide variant.
Coding change: c.8177C>T on transcript NM_001206927.2 (MANE Select); coding-DNA position 8177, C replaced by T.
Protein change: p.Thr2726Ile; replaces threonine 2726 with isoleucine.
Molecular consequence: missense variant.
Genome position (GRCh38, 1-based): chr6:38,883,916, C>T. VCF-style: chr6-38883916-C-T. GRCh37 (hg19) VCF-style: chr6-38851692-C-T.
Other names: c.8177C>T (NM_001206927.1); c.7526C>T, p.Thr2509Ile (NM_001371.4); short protein forms T2726I, T2509I.
Identifiers: ClinVar variation 1930633 (VCV001930633.6), dbSNP rs142939612, ClinGen allele CA3790119.

ClinVar aggregate classification (germline): Uncertain significance. Review status: criteria provided, multiple submitters, no conflicts (2 of 4 stars). 2 submissions from 2 submitters: Uncertain significance (2). Last evaluated 2025-01-17.

Conditions:
Primary ciliary dyskinesia. Also called: Ciliary dyskinesia. Identifiers: Orphanet 244, MedGen C0008780, MONDO:0016575, HP:0012265.

Allele frequency attached by ClinVar (database versions not stated): ExAC 0.00002; TOPMed 0.00002; gnomAD 0.00003; gnomAD exomes 0.00003; ESP Exome Variant Server 0.00015.
gnomAD v4.1: 49 of 1,591,496 alleles (0.0031%); highest among the groups gnomAD compares: Non-Finnish European, 0.0037%; no homozygotes.

Submissions (2):

Ambry Genetics
Classification: Uncertain significance. Last evaluated: 2025-01-17. Review status: criteria provided, single submitter. Criteria: Ambry Variant Classification Scheme 2023. Collection method: clinical testing. Allele origin: germline.

Labcorp Genetics (formerly Invitae), Labcorp
Classification: Uncertain significance for Primary ciliary dyskinesia. Last evaluated: 2022-07-15. Review status: criteria provided, single submitter. Criteria: Invitae Variant Classification Sherloc (09022015). Collection method: clinical testing. Allele origin: germline.
Comment: This sequence change replaces threonine, which is neutral and polar, with isoleucine, which is neutral and non-polar, at codon 2726 of the DNAH8 protein (p.Thr2726Ile). This variant is present in population databases (rs142939612, gnomAD 0.003%). This variant has not been reported in the literature in individuals affected with DNAH8-related conditions. Algorithms developed to predict the effect of missense changes on protein structure and function are either unavailable or do not agree on the potential impact of this missense change (SIFT: "Deleterious"; PolyPhen-2: "Not Available"; Align-GVGD: "Class C0"). In summary, the available evidence is currently insufficient to determine the role of this variant in disease. Therefore, it has been classified as a Variant of Uncertain Significance.